The following is an entry in ClinVar:

NM_003322.6(TULP1):c.1259G>C (p.Arg420Pro)

Gene: TULP1 (TUB like protein 1; minus strand). Cytogenetic location: 6p21.31.
Variant type: single nucleotide variant.
Coding change: c.1259G>C on transcript NM_003322.6 (MANE Select); coding-DNA position 1259, G replaced by C.
Protein change: p.Arg420Pro; replaces arginine 420 with proline.
Molecular consequence: missense variant.
Genome position (GRCh38, 1-based): chr6:35,503,623, C>G on the plus strand (G>C on the coding strand, the complement: TULP1 is on the minus strand). VCF-style: chr6-35503623-C-G. GRCh37 (hg19) VCF-style: chr6-35471400-C-G.
Other names: c.1100G>C, p.Arg367Pro (NM_001289395.2); short protein forms R420P, R367P.
Identifiers: ClinVar variation 7357 (VCV000007357.5), dbSNP rs121909073, ClinGen allele CA227700.
Genomic context (GRCh38, chr6:35,503,623, plus strand): 5'-CGGGGCCGGATGGGGACCCTCTCGTTCTCCGCACTCATGCCAGGAATGATGACGGTCATG[C>G]GCCGGGGGCCACGGAAGCCCAGCACGTTGGTTTCCTGGGAAGGAAACAGATGCCTGTGAG-3'
Protein context (NP_003313.3, residues 410-430): TNVLGFRGPR[Arg420Pro]MTVIIPGMSA

ClinVar aggregate classification (germline): Pathogenic. Review status: criteria provided, single submitter (1 of 4 stars). 3 submissions from 3 submitters: Pathogenic (1). 2 of the submissions do not count toward it. Last evaluated 2022-11-29.

Conditions:
Retinitis pigmentosa 14 (RP14). Also called: RETINITIS PIGMENTOSA, JUVENILE, TULP1-RELATED. Identifiers: Orphanet 791, MedGen C1838603, MONDO:0010827, OMIM 600132.

gnomAD v4.1: 3 of 1,598,500 alleles (0.00019%); highest among the groups gnomAD compares: Non-Finnish European, 0.00026%; no homozygotes.

Submissions (3):

Labcorp Genetics (formerly Invitae), Labcorp
Classification: Pathogenic. Last evaluated: 2022-11-29. Review status: criteria provided, single submitter. Criteria: Invitae Variant Classification Sherloc (09022015). Collection method: clinical testing. Allele origin: germline.
Comment: For these reasons, this variant has been classified as Pathogenic. This variant is not present in population databases (gnomAD no frequency). This missense change has been observed in individual(s) with retinitis pigmentosa (PMID: 9462750). It has also been observed to segregate with disease in related individuals. ClinVar contains an entry for this variant (Variation ID: 7357). Advanced modeling of protein sequence and biophysical properties (such as structural, functional, and spatial information, amino acid conservation, physicochemical variation, residue mobility, and thermodynamic stability) performed at Invitae indicates that this missense variant is expected to disrupt TULP1 protein function. Experimental studies have shown that this missense change affects TULP1 function (PMID: 26427415, 26987071). This variant disrupts the p.Arg420 amino acid residue in TULP1. Other variant(s) that disrupt this residue have been observed in individuals with TULP1-related conditions (PMID: 23499059, 23591405; Invitae), which suggests that this may be a clinically significant amino acid residue. This sequence change replaces arginine, which is basic and polar, with proline, which is neutral and non-polar, at codon 420 of the TULP1 protein (p.Arg420Pro).

OMIM
Classification: Pathogenic for RETINITIS PIGMENTOSA 14. Last evaluated: 1998-02-01. Review status: no assertion criteria provided. Collection method: literature only. Allele origin: germline. Not counted in ClinVar's aggregate classification.

Retina International
No classification provided. Review status: no classification provided. Collection method: not provided. Allele origin: not provided. Not counted in ClinVar's aggregate classification.

Literature cited by the submitters: PubMed 9462750 (cited by Labcorp Genetics (formerly Invitae), Labcorp and OMIM); PubMed 26427415 (cited by Labcorp Genetics (formerly Invitae), Labcorp); PubMed 26987071 (cited by Labcorp Genetics (formerly Invitae), Labcorp); PubMed 23499059 (cited by Labcorp Genetics (formerly Invitae), Labcorp); PubMed 23591405 (cited by Labcorp Genetics (formerly Invitae), Labcorp).